The following is an entry in ClinVar:

NM_001393769.1(MED12L):c.4928A>G (p.Lys1643Arg)

Gene: MED12L (mediator complex subunit 12L; plus strand). Cytogenetic location: 3q25.1.
Variant type: single nucleotide variant.
Coding change: c.4928A>G on transcript NM_001393769.1 (MANE Select); coding-DNA position 4928, A replaced by G.
Protein change: p.Lys1643Arg; replaces lysine 1643 with arginine.
Molecular consequence: missense variant.
Genome position (GRCh38, 1-based): chr3:151,385,031, A>G. VCF-style: chr3-151385031-A-G. GRCh37 (hg19) VCF-style: chr3-151102819-A-G.
Other names: c.4823A>G, p.Lys1608Arg (NM_053002.6); short protein forms K1608R, K1643R.
Identifiers: ClinVar variation 1710443 (VCV001710443.4), dbSNP rs898727145, ClinGen allele CA85736319.

ClinVar aggregate classification (germline): Conflicting classifications of pathogenicity. Review status: criteria provided, conflicting classifications (1 of 4 stars). 2 submissions from 2 submitters: Uncertain significance (1); Likely benign (1). Last evaluated 2026-07-01.

Allele frequency attached by ClinVar (database versions not stated): gnomAD 0.00001; gnomAD exomes 0.00001; TOPMed 0.00001.
gnomAD v4.1: 19 of 1,447,638 alleles (0.0013%); highest among the groups gnomAD compares: Non-Finnish European, 0.0017%; no homozygotes.

Submissions (2):

CeGaT Center for Human Genetics Tuebingen
Classification: Likely benign. Last evaluated: 2026-07-01. Review status: criteria provided, single submitter. Criteria: CeGaT Center For Human Genetics Tuebingen Variant Classification Criteria Version 2. Collection method: clinical testing. Allele origin: germline. Affected: yes. Observed: 1 variant allele.
Comment: MED12L: BS2

Greenwood Genetic Center Diagnostic Laboratories, Greenwood Genetic Center
Classification: Uncertain significance. Last evaluated: 2022-07-20. Review status: criteria provided, single submitter. Criteria: ACMG Guidelines, 2015. Collection method: clinical testing. Allele origin: germline. Affected: yes.
Comment: PM2 PP3 PP2